The following is an entry in ClinVar:

NM_001036.6(RYR3):c.8506G>C (p.Ala2836Pro)

Gene: RYR3 (ryanodine receptor 3; plus strand). Cytogenetic location: 15q14.
Variant type: single nucleotide variant.
Coding change: c.8506G>C on transcript NM_001036.6 (MANE Select); coding-DNA position 8506, G replaced by C.
Protein change: p.Ala2836Pro; replaces alanine 2836 with proline.
Molecular consequence: missense variant.
Genome position (GRCh38, 1-based): chr15:33,755,171, G>C. VCF-style: chr15-33755171-G-C. GRCh37 (hg19) VCF-style: chr15-34047372-G-C.
Other names: c.8506G>C, p.Ala2836Pro (NM_001243996.4); short protein forms A2836P.
Identifiers: ClinVar variation 859642 (VCV000859642.10), dbSNP rs2071688750, ClinGen allele CA391585335.

ClinVar aggregate classification (germline): Uncertain significance (1 of 4 stars; one submission).

Conditions:
Epileptic encephalopathy. Identifiers: MedGen C0543888, HP:0200134.

Allele frequency attached by ClinVar (database versions not stated): gnomAD exomes 0.00001.
gnomAD v4.1: 7 of 1,582,250 alleles (0.00044%); highest among the groups gnomAD compares: Non-Finnish European, 0.00061%; no homozygotes.

Submission:

Labcorp Genetics (formerly Invitae), Labcorp
Classification: Uncertain significance for Epileptic encephalopathy. Last evaluated: 2019-12-14. Review status: criteria provided, single submitter. Criteria: Invitae Variant Classification Sherloc (09022015). Collection method: clinical testing. Allele origin: germline.
Comment: Algorithms developed to predict the effect of missense changes on protein structure and function are either unavailable or do not agree on the potential impact of this missense change (SIFT: "Deleterious"; PolyPhen-2: "Possibly Damaging"; Align-GVGD: "Class C0"). This variant has not been reported in the literature in individuals with RYR3-related conditions. This variant is not present in population databases (ExAC no frequency). This sequence change replaces alanine with proline at codon 2836 of the RYR3 protein (p.Ala2836Pro). The alanine residue is highly conserved and there is a small physicochemical difference between alanine and proline. In summary, the available evidence is currently insufficient to determine the role of this variant in disease. Therefore, it has been classified as a Variant of Uncertain Significance.